The following is an entry in ClinVar:

NM_001394062.1(MACF1):c.19070C>T (p.Pro6357Leu)

Gene: MACF1 (microtubule actin crosslinking factor 1; plus strand). Cytogenetic location: 1p34.3.
Variant type: single nucleotide variant.
Coding change: c.19070C>T on transcript NM_001394062.1 (MANE Select); coding-DNA position 19070, C replaced by T.
Protein change: p.Pro6357Leu; replaces proline 6357 with leucine.
Molecular consequence: missense variant.
Genome position (GRCh38, 1-based): chr1:39,442,533, C>T. VCF-style: chr1-39442533-C-T. GRCh37 (hg19) VCF-style: chr1-39908205-C-T.
Other names: c.12893C>T, p.Pro4298Leu (NM_012090.5); short protein forms P4298L, P6357L.
Identifiers: ClinVar variation 930824 (VCV000930824.3), dbSNP rs1190036986, ClinGen allele CA339813942.
Genomic context (GRCh38, chr1:39,442,533, plus strand): 5'-TGAGTTGGCTGACTCATACCGAAGAGTTGTTAGATGCTCAGAGACCAATAAGTGGAGACC[C>T]AAAAGTCATTGAAGTTGAGCTCGCAAAGCACCATGTAAGTATTTTCATTTTTTCATCTCT-3'
Protein context (NP_001380991.1, residues 6347-6367): LDAQRPISGD[Pro6357Leu]KVIEVELAKH

ClinVar aggregate classification (germline): Uncertain significance (1 of 4 stars; one submission).

Conditions:
Lissencephaly 9 with complex brainstem malformation. Identifiers: Orphanet 572013, MedGen C5193029, MONDO:0032677, OMIM 618325.

Allele frequency attached by ClinVar (database versions not stated): gnomAD exomes below 0.00001; TOPMed below 0.00001 and 0.00001; gnomAD 0.00001.
gnomAD v4.1: 6 of 1,614,024 alleles (0.00037%); highest among the groups gnomAD compares: Non-Finnish European, 0.00051%; no homozygotes.

Submission:

Centre for Mendelian Genomics, University Medical Centre Ljubljana
Classification: Uncertain significance for Lissencephaly 9 with complex brainstem malformation. Last evaluated: 2019-11-20. Review status: criteria provided, single submitter. Criteria: ACMG Guidelines, 2015. Collection method: clinical testing. Allele origin: unknown. Affected: yes.
Comment: This variant was classified as: Uncertain significance. The available evidence on this variant's pathogenicity is insufficient or conflicting. The following ACMG criteria were applied in classifying this variant: PP3.